The following is an entry in ClinVar:

NM_005677.4(COLQ):c.1111C>T (p.Gln371Ter)

Gene: COLQ (collagen like tail subunit of asymmetric acetylcholinesterase; minus strand). Cytogenetic location: 3p25.1.
Variant type: single nucleotide variant.
Coding change: c.1111C>T on transcript NM_005677.4 (MANE Select); coding-DNA position 1111, C replaced by T.
Protein change: p.Gln371Ter; replaces glutamine 371 with a stop codon.
Molecular consequence: nonsense.
Genome position (GRCh38, 1-based): chr3:15,455,983, G>A on the plus strand (C>T on the coding strand, the complement: COLQ is on the minus strand). VCF-style: chr3-15455983-G-A. GRCh37 (hg19) VCF-style: chr3-15497490-G-A.
Other names: c.1081C>T, p.Gln361Ter (NM_080538.2); c.1009C>T, p.Gln337Ter (NM_080539.4); short protein forms Q337*, Q361*, Q371*.
Identifiers: ClinVar variation 1070410 (VCV001070410.9), dbSNP rs2125085542, ClinGen allele CA351596433.

ClinVar aggregate classification (germline): Pathogenic (1 of 4 stars; one submission).

Conditions:
Congenital myasthenic syndrome 5. Identifiers: Orphanet 590, MedGen C1864233, MONDO:0011281, OMIM 603034.

Submission:

Labcorp Genetics (formerly Invitae), Labcorp
Classification: Pathogenic for Congenital myasthenic syndrome 5. Last evaluated: 2020-10-08. Review status: criteria provided, single submitter. Criteria: Invitae Variant Classification Sherloc (09022015). Collection method: clinical testing. Allele origin: germline.
Comment: For these reasons, this variant has been classified as Pathogenic. Loss-of-function variants in COLQ are known to be pathogenic (PMID: 22678886). Experimental studies have shown that this variant affects COLQ protein function (PMID: 10665486). This variant has been observed in individual(s) with clinical features of congenital myasthenic syndrome (PMID: 10665486). This variant is not present in population databases (ExAC no frequency). This sequence change creates a premature translational stop signal (p.Gln371*) in the COLQ gene. It is expected to result in an absent or disrupted protein product.

Literature cited by the submitters: PubMed 22678886; PubMed 10665486.